The following is an entry in ClinVar:

NM_199420.4(POLQ):c.5329C>A (p.Pro1777Thr)

Gene: POLQ (DNA polymerase theta; minus strand). Cytogenetic location: 3q13.33.
Variant type: single nucleotide variant.
Coding change: c.5329C>A on transcript NM_199420.4 (MANE Select); coding-DNA position 5329, C replaced by A.
Protein change: p.Pro1777Thr; replaces proline 1777 with threonine.
Molecular consequence: missense variant.
Genome position (GRCh38, 1-based): chr3:121,487,602, G>T on the plus strand (C>A on the coding strand, the complement: POLQ is on the minus strand). VCF-style: chr3-121487602-G-T. GRCh37 (hg19) VCF-style: chr3-121206449-G-T.
Other names: short protein forms P1777T.
Identifiers: ClinVar variation 1746856 (VCV001746856.2), dbSNP rs561530462, ClinGen allele CA2562738.

ClinVar aggregate classification (germline): Uncertain significance (1 of 4 stars; one submission).

Allele frequency attached by ClinVar (database versions not stated): gnomAD exomes below 0.00001; ExAC 0.00001; gnomAD 0.00001; 1000 Genomes Project 30x 0.00016; 1000 Genomes Project 0.00020.
gnomAD v4.1: 6 of 1,613,984 alleles (0.00037%); highest among the groups gnomAD compares: East Asian, 0.0067%; no homozygotes.

Submission:

Ambry Genetics
Classification: Uncertain significance. Last evaluated: 2023-11-11. Review status: criteria provided, single submitter. Criteria: Ambry Variant Classification Scheme 2023. Collection method: clinical testing. Allele origin: germline.
Comment: The p.P1777T variant (also known as c.5329C>A), located in coding exon 16 of the POLQ gene, results from a C to A substitution at nucleotide position 5329. The proline at codon 1777 is replaced by threonine, an amino acid with highly similar properties. This amino acid position is conserved. In addition, this alteration is predicted to be tolerated by in silico analysis. Since supporting evidence is limited at this time, the clinical significance of this alteration remains unclear.